The following is an entry in ClinVar:

NM_007215.4(POLG2):c.750G>C (p.Gln250His)

Genes: MILR1 (mast cell immunoglobulin like receptor 1; plus strand), POLG2 (DNA polymerase gamma 2, accessory subunit; minus strand). Cytogenetic location: 17q23.3.
Variant type: single nucleotide variant.
Coding change: c.750G>C on transcript NM_007215.4 (MANE Select); coding-DNA position 750, G replaced by C.
Protein change: p.Gln250His; replaces glutamine 250 with histidine.
Molecular consequence: missense variant.
Genome position (GRCh38, 1-based): chr17:64,492,712, C>G on the plus strand (G>C on the coding strand, the complement: POLG2 is on the minus strand). VCF-style: chr17-64492712-C-G. GRCh37 (hg19) VCF-style: chr17-62488829-C-G.
Other names: short protein forms Q250H.
Identifiers: ClinVar variation 1318749 (VCV001318749.6), dbSNP rs1198172343, ClinGen allele CA400639014.

ClinVar aggregate classification (germline): Uncertain significance. Review status: criteria provided, multiple submitters, no conflicts (2 of 4 stars). 2 submissions from 2 submitters: Uncertain significance (2). Last evaluated 2024-01-12.

Allele frequency attached by ClinVar (database versions not stated): gnomAD exomes 0.00001; TOPMed 0.00002; gnomAD 0.00003.
gnomAD v4.1: 14 of 1,613,184 alleles (0.00087%); highest among the groups gnomAD compares: Non-Finnish European, 0.0012%; no homozygotes.

Submissions (2):

Labcorp Genetics (formerly Invitae), Labcorp
Classification: Uncertain significance. Last evaluated: 2024-01-12. Review status: criteria provided, single submitter. Criteria: Invitae Variant Classification Sherloc (09022015). Collection method: clinical testing. Allele origin: germline.
Comment: This sequence change replaces glutamine, which is neutral and polar, with histidine, which is basic and polar, at codon 250 of the POLG2 protein (p.Gln250His). This variant is present in population databases (no rsID available, gnomAD 0.003%). This variant has not been reported in the literature in individuals affected with POLG2-related conditions. ClinVar contains an entry for this variant (Variation ID: 1318749). Algorithms developed to predict the effect of missense changes on protein structure and function output the following: SIFT: "Not Available"; PolyPhen-2: "Benign"; Align-GVGD: "Not Available". The histidine amino acid residue is found in multiple mammalian species, which suggests that this missense change does not adversely affect protein function. In summary, the available evidence is currently insufficient to determine the role of this variant in disease. Therefore, it has been classified as a Variant of Uncertain Significance.

GeneDx
Classification: Uncertain significance. Last evaluated: 2021-04-02. Review status: criteria provided, single submitter. Criteria: GeneDx Variant Classification Process June 2021. Collection method: clinical testing. Allele origin: germline. Affected: yes.
Comment: In silico analysis supports that this missense variant has a deleterious effect on protein structure/function; Has not been previously published as pathogenic or benign to our knowledge